The following is an entry in ClinVar:

NM_001374736.1(DST):c.18056G>A (p.Arg6019His)

Gene: DST (dystonin; minus strand). Cytogenetic location: 6p12.1.
Variant type: single nucleotide variant.
Coding change: c.18056G>A on transcript NM_001374736.1 (MANE Select); coding-DNA position 18056, G replaced by A.
Protein change: p.Arg6019His; replaces arginine 6019 with histidine.
Molecular consequence: missense variant.
Genome position (GRCh38, 1-based): chr6:56,526,434, C>T on the plus strand (G>A on the coding strand, the complement: DST is on the minus strand). VCF-style: chr6-56526434-C-T. GRCh37 (hg19) VCF-style: chr6-56391232-C-T.
Other names: c.11699G>A, p.Arg3900His (NM_001144769.5); c.11285G>A, p.Arg3762His (NM_001144770.2); c.18056G>A, p.Arg6019His (NM_001374722.1); c.17096G>A, p.Arg5699His (NM_001374729.1); c.10838G>A, p.Arg3613His (NM_001374730.1); c.18083G>A, p.Arg6028His (NM_001374734.1); c.10187G>A, p.Arg3396His (NM_015548.5); c.11165G>A, p.Arg3722His (NM_183380.4); short protein forms R6019H, R3396H, R3613H, R3722H, R3762H, R3900H, R5699H, R6028H.
Identifiers: ClinVar variation 968327 (VCV000968327.10), dbSNP rs745991437, ClinGen allele CA3867311.

ClinVar aggregate classification (germline): Uncertain significance (1 of 4 stars; one submission).

Conditions:
Hereditary sensory and autonomic neuropathy type 6. Also called: Neuropathy, hereditary sensory and autonomic, type VI; HSAN VI. Identifiers: Orphanet 314381, MedGen C3539003, MONDO:0013839, OMIM 614653.
Epidermolysis bullosa simplex 3, localized or generalized intermediate, with BP230 deficiency (EBS3). Also called: Epidermolysis bullosa simplex, autosomal recessive 2; Epidermolysis bullosa simplex due to BP230 deficiency. Identifiers: Orphanet 412181, MedGen C3809470, MONDO:0014180, OMIM 615425.

Allele frequency attached by ClinVar (database versions not stated): TOPMed below 0.00001; gnomAD 0.00001; gnomAD exomes 0.00001 and 0.00003; ExAC 0.00002.
gnomAD v4.1: 13 of 1,613,708 alleles (0.00081%); highest among the groups gnomAD compares: East Asian, 0.018%; no homozygotes.

Submission:

Labcorp Genetics (formerly Invitae), Labcorp
Classification: Uncertain significance for Epidermolysis bullosa simplex 3, localized or generalized intermediate, with BP230 deficiency; Hereditary sensory and autonomic neuropathy type 6. Last evaluated: 2022-07-12. Review status: criteria provided, single submitter. Criteria: Invitae Variant Classification Sherloc (09022015). Collection method: clinical testing. Allele origin: germline.
Comment: In summary, the available evidence is currently insufficient to determine the role of this variant in disease. Therefore, it has been classified as a Variant of Uncertain Significance. The DST gene has multiple clinically relevant transcripts. This variant occurs in alternate transcript NM_015548.4, and corresponds to NM_001723.5:c.*89083G>A in the primary transcript. This sequence change replaces arginine, which is basic and polar, with histidine, which is basic and polar, at codon 3396 of the DST protein (p.Arg3396His). This variant is present in population databases (rs745991437, gnomAD 0.04%). This variant has not been reported in the literature in individuals affected with DST-related conditions. Experimental studies and prediction algorithms are not available or were not evaluated, and the functional significance of this variant is currently unknown.